The following is an entry in ClinVar:

ClinVar aggregate classification (germline): Pathogenic (1 of 4 stars; one submission).

Conditions:
Hypertrophic cardiomyopathy. Also called: HYPERTROPHIC MYOCARDIOPATHY. Identifiers: Orphanet 217569, MedGen C0007194, MeSH D002312, MONDO:0005045, HP:0001639.

Submission:

Labcorp Genetics (formerly Invitae), Labcorp
Classification: Pathogenic for Hypertrophic cardiomyopathy. Last evaluated: 2022-06-15. Review status: criteria provided, single submitter. Criteria: Invitae Variant Classification Sherloc (09022015). Collection method: clinical testing. Allele origin: germline.
Comment: For these reasons, this variant has been classified as Pathogenic. This variant has not been reported in the literature in individuals affected with MYBPC3-related conditions. This variant is not present in population databases (gnomAD no frequency). This sequence change creates a premature translational stop signal (p.Tyr1135Thrfs*54) in the MYBPC3 gene. It is expected to result in an absent or disrupted protein product. Loss-of-function variants in MYBPC3 are known to be pathogenic (PMID: 19574547).

Literature cited by the submitters: PubMed 19574547.

NM_000256.3(MYBPC3):c.3402del (p.Tyr1135fs)

Gene: MYBPC3 (myosin binding protein C3; minus strand). Cytogenetic location: 11p11.2.
Variant type: Deletion.
Coding change: c.3402del on transcript NM_000256.3 (MANE Select); coding-DNA position 3402, one base deleted (C; older notation c.3402delC).
Protein change: p.Tyr1135fs; shifts the reading frame from tyrosine 1135.
Molecular consequence: frameshift variant.
Genome position (GRCh38, 1-based): chr11:47,332,902, G deleted on the plus strand (C on the coding strand, the reverse complement: MYBPC3 is on the minus strand). VCF-style (leftmost placement, unchanged base first): chr11-47332901-AG-A. GRCh37 (hg19) VCF-style: chr11-47354452-AG-A.
Other names: short protein forms Y1135fs.
Identifiers: ClinVar variation 2006860 (VCV002006860.4), dbSNP rs2495738724, ClinGen allele CA2580084218.